The following is an entry in ClinVar:

NM_001793.6(CDH3):c.1571G>A (p.Gly524Glu)

Gene: CDH3 (cadherin 3; plus strand). Cytogenetic location: 16q22.1.
Variant type: single nucleotide variant.
Coding change: c.1571G>A on transcript NM_001793.6 (MANE Select); coding-DNA position 1571, G replaced by A.
Protein change: p.Gly524Glu; replaces glycine 524 with glutamic acid.
Molecular consequence: missense variant.
Genome position (GRCh38, 1-based): chr16:68,687,512, G>A. VCF-style: chr16-68687512-G-A. GRCh37 (hg19) VCF-style: chr16-68721415-G-A.
Other names: c.1571G>A, p.Gly524Glu (NM_001317195.3); c.1406G>A, p.Gly469Glu (NM_001317196.2); short protein forms G524E, G469E.
Identifiers: ClinVar variation 1473098 (VCV001473098.8), dbSNP rs774636297, ClinGen allele CA8129414.

ClinVar aggregate classification (germline): Uncertain significance. Review status: criteria provided, multiple submitters, no conflicts (2 of 4 stars). 2 submissions from 2 submitters: Uncertain significance (2). Last evaluated 2025-02-10.

Allele frequency attached by ClinVar (database versions not stated): TOPMed below 0.00001; ExAC 0.00001; gnomAD 0.00001; gnomAD exomes 0.00001.
gnomAD v4.1: 16 of 1,613,694 alleles (0.00099%); highest among the groups gnomAD compares: Middle Eastern, 0.049%; no homozygotes.

Submissions (2):

Labcorp Genetics (formerly Invitae), Labcorp
Classification: Uncertain significance. Last evaluated: 2025-02-10. Review status: criteria provided, single submitter. Criteria: Invitae Variant Classification Sherloc (09022015). Collection method: clinical testing. Allele origin: germline.
Comment: This sequence change replaces glycine, which is neutral and non-polar, with glutamic acid, which is acidic and polar, at codon 524 of the CDH3 protein (p.Gly524Glu). This variant is present in population databases (rs774636297, gnomAD 0.006%). This variant has not been reported in the literature in individuals affected with CDH3-related conditions. ClinVar contains an entry for this variant (Variation ID: 1473098). An algorithm developed to predict the effect of missense changes on protein structure and function (PolyPhen-2) suggests that this variant is likely to be disruptive. In summary, the available evidence is currently insufficient to determine the role of this variant in disease. Therefore, it has been classified as a Variant of Uncertain Significance.

Blueprint Genetics
Classification: Uncertain significance. Last evaluated: 2022-11-14. Review status: criteria provided, single submitter. Criteria: ACMG Guidelines, 2015. Collection method: clinical testing. Allele origin: germline.